The following is an entry in ClinVar:

NM_000271.5(NPC1):c.922A>C (p.Asn308His)

Gene: NPC1 (NPC intracellular cholesterol transporter 1; minus strand). Cytogenetic location: 18q11.2.
Variant type: single nucleotide variant.
Coding change: c.922A>C on transcript NM_000271.5 (MANE Select); coding-DNA position 922, A replaced by C.
Protein change: p.Asn308His; replaces asparagine 308 with histidine.
Molecular consequence: missense variant.
Genome position (GRCh38, 1-based): chr18:23,557,150, T>G on the plus strand (A>C on the coding strand, the complement: NPC1 is on the minus strand). VCF-style: chr18-23557150-T-G. GRCh37 (hg19) VCF-style: chr18-21137114-T-G.
Other names: short protein forms N308H.
Identifiers: ClinVar variation 2159367 (VCV002159367.1), dbSNP rs777813999, ClinGen allele CA8913594.
Genomic context (GRCh38, chr18:23,557,150, plus strand): 5'-CTTTTATTCATGGACAAATATGCCTACCTTTGTCACTTGCATTAACAGAAAAAGCTATAT[T>G]GCTATCGATGGGAGTGTACTCGGAGACAAAATACCGTTTTCTGAAAAACAGAAGTGAAGA-3'
Protein context (NP_000262.2, residues 298-318): FVSEYTPIDS[Asn308His]IAFSVNASDK

ClinVar aggregate classification (germline): Uncertain significance (1 of 4 stars; one submission).

Conditions:
Niemann-Pick disease, type C1. Also called: NIEMANN-PICK DISEASE WITHOUT SPHINGOMYELINASE DEFICIENCY; NIEMANN-PICK DISEASE, CHRONIC NEURONOPATHIC FORM; NEUROVISCERAL STORAGE DISEASE WITH VERTICAL SUPRANUCLEAR OPHTHALMOPLEGIA; NIEMANN-PICK DISEASE WITH CHOLESTEROL ESTERIFICATION BLOCK; NIEMANN-PICK DISEASE, VARIANT TYPE C1. Identifiers: Orphanet 646, MedGen C3179455, MONDO:0009757, OMIM 257220.

Allele frequency attached by ClinVar (database versions not stated): gnomAD exomes below 0.00001; gnomAD 0.00001; ExAC 0.00002.
gnomAD v4.1: 6 of 1,613,768 alleles (0.00037%); highest among the groups gnomAD compares: Admixed American, 0.01%; no homozygotes.

Submission:

Labcorp Genetics (formerly Invitae), Labcorp
Classification: Uncertain significance for Niemann-Pick disease, type C1. Last evaluated: 2022-03-12. Review status: criteria provided, single submitter. Criteria: Invitae Variant Classification Sherloc (09022015). Collection method: clinical testing. Allele origin: germline.
Comment: This sequence change replaces asparagine, which is neutral and polar, with histidine, which is basic and polar, at codon 308 of the NPC1 protein (p.Asn308His). This variant is present in population databases (rs777813999, gnomAD 0.02%). This variant has not been reported in the literature in individuals affected with NPC1-related conditions. Advanced modeling of protein sequence and biophysical properties (such as structural, functional, and spatial information, amino acid conservation, physicochemical variation, residue mobility, and thermodynamic stability) performed at Invitae indicates that this missense variant is not expected to disrupt NPC1 protein function. In summary, the available evidence is currently insufficient to determine the role of this variant in disease. Therefore, it has been classified as a Variant of Uncertain Significance.